The following is an entry in ClinVar:

ClinVar aggregate classification (germline): Conflicting classifications of pathogenicity. Review status: criteria provided, conflicting classifications (1 of 4 stars). 5 submissions from 5 submitters: Uncertain significance (1); Likely benign (4). Last evaluated 2026-03-01.

Conditions:
Epidermolysis bullosa simplex, Ogna type (EBS5A). Also called: Pidermolysis bullosa simplex 5A, Ogna type; EPIDERMOLYSIS BULLOSA SIMPLEX 5A, OGNA TYPE. Identifiers: Orphanet 79401, MedGen C0432317, MONDO:0007555, OMIM 131950.
Epidermolysis bullosa simplex with nail dystrophy (EBS5D). Identifiers: MedGen C4225309, MONDO:0014661, OMIM 616487.
Autosomal recessive limb-girdle muscular dystrophy type 2Q (LGMDR17). Also called: MUSCULAR DYSTROPHY, LIMB-GIRDLE, AUTOSOMAL RECESSIVE 17. Identifiers: Orphanet 254361, MedGen C3150989, MONDO:0013390, OMIM 613723.
Epidermolysis bullosa simplex 5C, with pyloric atresia (EBS5C). Also called: Epidermolysis bullosa simplex with pyloric atresia; PLEC1-Related Epidermolysis Bullosa with Pyloric Atresia; PLEC-Related Epidermolysis Bullosa with Pyloric Atresia. Identifiers: Orphanet 158684, MedGen C2677349, MONDO:0012807, OMIM 612138.
Epidermolysis bullosa simplex 5B, with muscular dystrophy (EBS5B). Also called: Epidermolysis bullosa simplex with muscular dystrophy; EPIDERMOLYSIS BULLOSA SIMPLEX AND LIMB-GIRDLE MUSCULAR DYSTROPHY. Identifiers: Orphanet 257, MedGen C2931072, MONDO:0009181, OMIM 226670.

Allele frequency attached by ClinVar (database versions not stated): ESP Exome Variant Server 0.00031; 1000 Genomes Project 0.00040; gnomAD 0.00043 and 0.00048; TOPMed 0.00045; 1000 Genomes Project 30x 0.00047.
gnomAD v4.1: 1,164 of 1,612,874 alleles (0.072%); highest among the groups gnomAD compares: East Asian, 0.18%; 1 homozygote.

Submissions (5):

CeGaT Center for Human Genetics Tuebingen
Classification: Likely benign. Last evaluated: 2026-03-01. Review status: criteria provided, single submitter. Criteria: CeGaT Center For Human Genetics Tuebingen Variant Classification Criteria Version 2. Collection method: clinical testing. Allele origin: germline. Affected: yes. Observed: 5 variant alleles.
Comment: PLEC: BP4, BP7

Labcorp Genetics (formerly Invitae), Labcorp
Classification: Likely benign for Autosomal recessive limb-girdle muscular dystrophy type 2Q; Epidermolysis bullosa simplex, Ogna type; Epidermolysis bullosa simplex with nail dystrophy; Epidermolysis bullosa simplex 5C, with pyloric atresia; Epidermolysis bullosa simplex 5B, with muscular dystrophy. Last evaluated: 2026-01-12. Review status: criteria provided, single submitter. Criteria: Invitae Variant Classification Sherloc (09022015). Collection method: clinical testing. Allele origin: germline.

Blueprint Genetics
Classification: Likely benign. Last evaluated: 2024-08-20. Review status: criteria provided, single submitter. Criteria: ACMG Guidelines, 2015. Collection method: clinical testing. Allele origin: germline.

GeneDx
Classification: Likely benign. Last evaluated: 2021-02-25. Review status: criteria provided, single submitter. Criteria: GeneDx Variant Classification Process June 2021. Collection method: clinical testing. Allele origin: germline. Affected: yes.

Eurofins Ntd Llc (ga)
Classification: Uncertain significance. Last evaluated: 2016-06-14. Review status: criteria provided, single submitter. Criteria: EGL Classification Definitions 2015. Collection method: clinical testing. Allele origin: germline. Observed: 2 variant alleles, 2 heterozygotes.

NM_201384.3(PLEC):c.8697C>T (p.Ser2899=)

Gene: PLEC (plectin; minus strand). Cytogenetic location: 8q24.3.
Variant type: single nucleotide variant.
Coding change: c.8697C>T on transcript NM_201384.3 (MANE Select); coding-DNA position 8697, C replaced by T.
Protein change: p.Ser2899=; no amino-acid change (serine 2899 retained).
Molecular consequence: synonymous variant.
Genome position (GRCh38, 1-based): chr8:143,921,124, G>A on the plus strand (C>T on the coding strand, the complement: PLEC is on the minus strand). VCF-style: chr8-143921124-G-A. GRCh37 (hg19) VCF-style: chr8-144995292-G-A.
Other names: c.8778C>T, p.Ser2926= (NM_000445.5); c.8655C>T, p.Ser2885= (NM_201378.4); c.8631C>T, p.Ser2877= (NM_201379.3); c.9108C>T, p.Ser3036= (NM_201380.4); c.8601C>T, p.Ser2867= (NM_201381.3); c.8697C>T, p.Ser2899= (NM_201382.4); c.8709C>T, p.Ser2903= (NM_201383.3).
Identifiers: ClinVar variation 282450 (VCV000282450.61), dbSNP rs200383203, ClinGen allele CA4925215.
Genomic context (GRCh38, chr8:143,921,124, plus strand): 5'-GCCCTGGAACTTGCCGAACGGCGCAGACACGGTGGCCTTCTCAAAGACGTCCCGGGCCTC[G>A]GAGTCAGTGTAGACCAGCTCCCCGCCCTTGGCAGCCTTATCCGTGAGTGGCAGAAGGCAC-3'
Protein context (NP_958786.1, residues 2889-2909): AKGGELVYTD[Ser2899=]EARDVFEKAT